The following is an entry in ClinVar:

NM_004656.4(BAP1):c.1510A>C (p.Asn504His)

Gene: BAP1 (BRCA1 associated deubiquitinase 1; minus strand). Cytogenetic location: 3p21.1.
Variant type: single nucleotide variant.
Coding change: c.1510A>C on transcript NM_004656.4 (MANE Select); coding-DNA position 1510, A replaced by C.
Protein change: p.Asn504His; replaces asparagine 504 with histidine.
Molecular consequence: missense variant.
Genome position (GRCh38, 1-based): chr3:52,403,635, T>G on the plus strand (A>C on the coding strand, the complement: BAP1 is on the minus strand). VCF-style: chr3-52403635-T-G. GRCh37 (hg19) VCF-style: chr3-52437651-T-G.
Other names: c.1456A>C, p.Asn486His (NM_001410772.1); short protein forms N486H, N504H.
Identifiers: ClinVar variation 4620760 (VCV004620760.1).

ClinVar aggregate classification (germline): Uncertain significance (1 of 4 stars; one submission).

Conditions:
Hereditary cancer-predisposing syndrome. Also called: Neoplastic Syndromes, Hereditary; Tumor predisposition; Hereditary Cancer Syndrome; Hereditary neoplastic syndrome. Identifiers: Orphanet 140162, MedGen C0027672, MeSH D009386, MONDO:0015356.

Submission:

Ambry Genetics
Classification: Uncertain significance for Hereditary cancer-predisposing syndrome. Last evaluated: 2025-11-17. Review status: criteria provided, single submitter. Criteria: Ambry Variant Classification Scheme 2023. Collection method: clinical testing. Allele origin: germline.
Comment: The p.N504H variant (also known as c.1510A>C), located in coding exon 13 of the BAP1 gene, results from an A to C substitution at nucleotide position 1510. The asparagine at codon 504 is replaced by histidine, an amino acid with similar properties. This amino acid position is conserved. In addition, the in silico prediction for this alteration is inconclusive. Based on the available evidence, the clinical significance of this variant remains unclear.